The following is an entry in ClinVar:

NM_205836.3(FBXO38):c.1919-2A>C

Gene: FBXO38 (F-box protein 38; plus strand). Cytogenetic location: 5q32.
Variant type: single nucleotide variant.
Coding change: c.1919-2A>C on transcript NM_205836.3 (MANE Select); the canonical splice acceptor site of the intron before coding-DNA position 1919, A replaced by C.
Molecular consequence: splice acceptor variant. On other transcripts: intron variant (1).
Genome position (GRCh38, 1-based): chr5:148,427,211, A>C. VCF-style: chr5-148427211-A-C. GRCh37 (hg19) VCF-style: chr5-147806774-A-C.
Other names: c.1919-2A>C (NM_030793.5); c.1918+1510A>C (NM_001271723.2).
Identifiers: ClinVar variation 1470088 (VCV001470088.8), dbSNP rs2113627058, ClinGen allele CA361656108.
Genomic context (GRCh38, chr5:148,427,211, plus strand): 5'-GTCCAGAATTTATACTGAAATCTTTTCTTTTCCTCGGGCCGTTCTTCTTTTTCTATAAGC[A>C]GTAAGTGGAAAAGGCAAGACTCCACTTCGAAAGAGGTACAACTCCCATCAGATGGGCCAG-3'

ClinVar aggregate classification (germline): Uncertain significance (1 of 4 stars; one submission).

Conditions:
Distal hereditary motor neuropathy type 2. Identifiers: Orphanet 139525, MedGen C3711384, MeSH C580044, MONDO:0015352.

Allele frequency attached by ClinVar (database versions not stated): gnomAD exomes below 0.00001.
gnomAD v4.1: 1 of 1,576,286 alleles (0.000063%); no homozygotes.

Submission:

Labcorp Genetics (formerly Invitae), Labcorp
Classification: Uncertain significance for Distal hereditary motor neuropathy type 2. Last evaluated: 2021-04-26. Review status: criteria provided, single submitter. Criteria: Invitae Variant Classification Sherloc (09022015). Collection method: clinical testing. Allele origin: germline.
Comment: In summary, the available evidence is currently insufficient to determine the role of this variant in disease. Therefore, it has been classified as a Variant of Uncertain Significance. Algorithms developed to predict the effect of sequence changes on RNA splicing suggest that this variant may disrupt the consensus splice site, but this prediction has not been confirmed by published transcriptional studies. This variant has not been reported in the literature in individuals with FBXO38-related conditions. This variant is not present in population databases (ExAC no frequency). This sequence change affects an acceptor splice site in intron 14 of the FBXO38 gene. It is expected to disrupt RNA splicing. Variants that disrupt the donor or acceptor splice site typically lead to a loss of protein function (PMID: 16199547), however the current clinical and genetic evidence is not sufficient to establish whether loss-of-function variants in FBXO38 cause disease.

Literature cited by the submitters: PubMed 16199547.